The following is an entry in ClinVar:

NM_000548.5(TSC2):c.3011A>G (p.Asp1004Gly)

Gene: TSC2 (TSC complex subunit 2; plus strand). Cytogenetic location: 16p13.3.
Variant type: single nucleotide variant.
Coding change: c.3011A>G on transcript NM_000548.5 (MANE Select); coding-DNA position 3011, A replaced by G.
Protein change: p.Asp1004Gly; replaces aspartic acid 1004 with glycine.
Molecular consequence: missense variant. On other transcripts: non-coding transcript variant (5).
Genome position (GRCh38, 1-based): chr16:2,079,076, A>G. VCF-style: chr16-2079076-A-G. GRCh37 (hg19) VCF-style: chr16-2129077-A-G.
Other names: c.2864A>G, p.Asp955Gly (NM_001406675.1); c.2861A>G, p.Asp954Gly (NM_001406676.1); c.2822A>G, p.Asp941Gly (NM_001406677.1); c.2768A>G, p.Asp923Gly (NM_001406678.1); c.2732A>G, p.Asp911Gly (NM_001406679.1); c.2411A>G, p.Asp804Gly (NM_001406680.1, NM_001406682.1, NM_001406683.1); c.2420A>G, p.Asp807Gly (NM_001406681.1); c.2408A>G, p.Asp803Gly (NM_001406684.1); and 18 more; short protein forms D1003G, D1004G, D426G, D512G, D513G, D556G, D760G, D761G.
Identifiers: ClinVar variation 4527003 (VCV004527003.1).
Genomic context (GRCh38, chr16:2,079,076, plus strand): 5'-CGGCCTCTCCCTCCAGCAGGATACAGACGTCCCTCACCAGTGCCAGCTTGGGGTCTGCAG[A>G]TGAGAACTCCGTGGCCCAGGCTGACGATAGCCTGAAAAACCTCCACCTGGAGCTCACGGA-3'
Protein context (NP_000539.2, residues 994-1014): SLTSASLGSA[Asp1004Gly]ENSVAQADDS

ClinVar aggregate classification (germline): Uncertain significance (1 of 4 stars; one submission).

Submission:

GeneDx
Classification: Uncertain significance. Last evaluated: 2025-05-02. Review status: criteria provided, single submitter. Criteria: GeneDx Variant Classification Process June 2021. Collection method: clinical testing. Allele origin: germline. Affected: yes.
Comment: Not observed at significant frequency in large population cohorts (gnomAD); In silico analysis supports that this missense variant has a deleterious effect on protein structure/function; Has not been previously published as pathogenic or benign to our knowledge; In silico analysis suggests this variant may impact gene splicing. In the absence of RNA/functional studies, the actual effect of this sequence change is unknown.